The following is an entry in ClinVar:

ClinVar aggregate classification (germline): Uncertain significance (1 of 4 stars; one submission).

Allele frequency attached by ClinVar (database versions not stated): gnomAD exomes 0.00001.
gnomAD v4.1: 5 of 1,613,838 alleles (0.00031%); highest among the groups gnomAD compares: Middle Eastern, 0.017%; no homozygotes.

Submission:

Labcorp Genetics (formerly Invitae), Labcorp
Classification: Uncertain significance. Last evaluated: 2023-10-03. Review status: criteria provided, single submitter. Criteria: Invitae Variant Classification Sherloc (09022015). Collection method: clinical testing. Allele origin: germline.
Comment: This sequence change falls in intron 13 of the MYO5B gene. It does not directly change the encoded amino acid sequence of the MYO5B protein. It affects a nucleotide within the consensus splice site. This variant is not present in population databases (gnomAD no frequency). This variant has not been reported in the literature in individuals affected with MYO5B-related conditions. ClinVar contains an entry for this variant (Variation ID: 1480243). Variants that disrupt the consensus splice site are a relatively common cause of aberrant splicing (PMID: 17576681, 9536098). Algorithms developed to predict the effect of sequence changes on RNA splicing suggest that this variant is not likely to affect RNA splicing. In summary, the available evidence is currently insufficient to determine the role of this variant in disease. Therefore, it has been classified as a Variant of Uncertain Significance.

Literature cited by the submitters: PubMed 17576681; PubMed 9536098.

NM_001080467.3(MYO5B):c.1668+4G>T

Gene: MYO5B (myosin VB; minus strand). Cytogenetic location: 18q21.1.
Variant type: single nucleotide variant.
Coding change: c.1668+4G>T on transcript NM_001080467.3 (MANE Select); 4 bases into the intron after coding-DNA position 1668, G replaced by T.
Molecular consequence: intron variant.
Genome position (GRCh38, 1-based): chr18:49,954,309, C>A on the plus strand (G>T on the coding strand, the complement: MYO5B is on the minus strand). VCF-style: chr18-49954309-C-A. GRCh37 (hg19) VCF-style: chr18-47480679-C-A.
Identifiers: ClinVar variation 1480243 (VCV001480243.4), dbSNP rs2144246726, ClinGen allele CA2573155382.
Genomic context (GRCh38, chr18:49,954,309, plus strand): 5'-AGCCCATTGAGTCTACTTAGAGAGGGGCCAAGGGAATACCCGAGCCAACAGAGAGGAGAG[C>A]CACCTTGTCTGCAAAGTGGACGATGATGAAGGCCGTGTTGGACATGCGGGGCTTCTGGAA-3'